The following is an entry in ClinVar:

ClinVar aggregate classification (germline): Uncertain significance. Review status: criteria provided, multiple submitters, no conflicts (2 of 4 stars). 2 submissions from 2 submitters: Uncertain significance (2). Last evaluated 2023-12-05.

Conditions:
Loeys-Dietz syndrome (LDS). Identifiers: Orphanet 60030, MedGen C2697932, MONDO:0018954.
Familial thoracic aortic aneurysm and aortic dissection (TAAD). Also called: Thoracic aortic aneurysms and dissections. Identifiers: Orphanet 91387, MedGen C4707243, MONDO:0019625.

Submissions (2):

Color Diagnostics, LLC DBA Color Health
Classification: Uncertain significance for Familial thoracic aortic aneurysm and aortic dissection. Last evaluated: 2023-12-05. Review status: criteria provided, single submitter. Criteria: ACMG Guidelines, 2015. Collection method: clinical testing. Allele origin: germline.
Comment: This missense variant replaces isoleucine with valine at codon 454 of the TGFBR1 protein. Computational prediction tools and conservation analyses are inconclusive regarding the impact of this variant on the protein function. Computational splicing tools suggest that this variant may not impact RNA splicing. To our knowledge, functional assays have not been performed for this variant nor has this variant been reported in individuals affected with cardiovascular disorders in the literature. This variant has not been identified in the general population by the Genome Aggregation Database (gnomAD). Available evidence is insufficient to determine the role of this variant in disease conclusively. Therefore, this variant is classified as a Variant of Uncertain Significance.

All of Us Research Program, National Institutes of Health
Classification: Uncertain significance for Loeys-Dietz syndrome. Last evaluated: 2023-04-15. Review status: criteria provided, single submitter. Criteria: ACMG Guidelines, 2015. Collection method: clinical testing. Allele origin: germline. Inheritance: Autosomal dominant inheritance. Observed: 1 variant allele, 1 heterozygote.
Comment: This missense variant replaces isoleucine with valine at codon 454 of the TGFBR1 protein. Computational prediction tools and conservation analyses are inconclusive regarding the impact of this variant on the protein function. Computational splicing tools suggest that this variant may not impact RNA splicing. To our knowledge, functional assays have not been performed for this variant nor has this variant been reported in individuals affected with cardiovascular disorders in the literature. This variant has not been identified in the general population by the Genome Aggregation Database (gnomAD). Available evidence is insufficient to determine the role of this variant in disease conclusively. Therefore, this variant is classified as a Variant of Uncertain Significance.

This study involves interpretation of variants in research participants for the purpose of population health screening. Participant phenotype was not available at the time of variant classification. Additional details can be found in publication PMID: 35346344, PMCID: PMC8962531

NM_004612.4(TGFBR1):c.1360A>G (p.Ile454Val)

Gene: TGFBR1 (transforming growth factor beta receptor 1; plus strand). Cytogenetic location: 9q22.33.
Variant type: single nucleotide variant.
Coding change: c.1360A>G on transcript NM_004612.4 (MANE Select); coding-DNA position 1360, A replaced by G.
Protein change: p.Ile454Val; replaces isoleucine 454 with valine.
Molecular consequence: missense variant.
Genome position (GRCh38, 1-based): chr9:99,147,758, A>G. VCF-style: chr9-99147758-A-G. GRCh37 (hg19) VCF-style: chr9-101910040-A-G.
Other names: c.1129A>G, p.Ile377Val (NM_001130916.3); c.1372A>G, p.Ile458Val (NM_001306210.2); short protein forms I377V, I458V, I454V.
Identifiers: ClinVar variation 927884 (VCV000927884.6), dbSNP rs1827845172, ClinGen allele CA374233468.